The following is an entry in ClinVar:

NM_004310.5(RHOH):c.537_539del (p.Arg181del)

Gene: RHOH (ras homolog family member H; plus strand). Cytogenetic location: 4p14.
Variant type: Deletion.
Coding change: c.537_539del on transcript NM_004310.5 (MANE Select); coding-DNA positions 537 to 539, 3 bases deleted (AAG; older notation c.537_539delAAG).
Protein change: p.Arg181del; deletes arginine 181.
Molecular consequence: inframe deletion.
Genome position (GRCh38, 1-based): chr4:40,243,923-40,243,925, AAG deleted; deleting any 3 consecutive bases within chr4:40,243,921-40,243,925 gives the same sequence; the c. name uses the placement nearest the transcript's 3' end. VCF-style (leftmost placement, unchanged base first): chr4-40243920-CAGA-C. GRCh37 (hg19) VCF-style: chr4-40245540-CAGA-C.
Other names: c.537_539del, p.Arg181del (NM_001278359.2, NM_001278360.2, NM_001278361.2 and 8 more transcripts); short protein forms R181del.
Identifiers: ClinVar variation 477860 (VCV000477860.8), dbSNP rs757821004, ClinGen allele CA2897783.

ClinVar aggregate classification (germline): Uncertain significance (1 of 4 stars; one submission).

Conditions:
T-cell immunodeficiency with epidermodysplasia verruciformis. Identifiers: Orphanet 324294, MedGen C4749500, MONDO:0017925.

Submission:

Labcorp Genetics (formerly Invitae), Labcorp
Classification: Uncertain significance for T-cell immunodeficiency with epidermodysplasia verruciformis. Last evaluated: 2024-11-27. Review status: criteria provided, single submitter. Criteria: Invitae Variant Classification Sherloc (09022015). Collection method: clinical testing. Allele origin: germline.
Comment: This variant, c.537_539del, results in the deletion of 1 amino acid(s) of the RHOH protein (p.Arg181del), but otherwise preserves the integrity of the reading frame. This variant is present in population databases (rs757821004, gnomAD 0.03%). This variant has not been reported in the literature in individuals affected with RHOH-related conditions. ClinVar contains an entry for this variant (Variation ID: 477860). Experimental studies and prediction algorithms are not available or were not evaluated, and the functional significance of this variant is currently unknown. In summary, the available evidence is currently insufficient to determine the role of this variant in disease. Therefore, it has been classified as a Variant of Uncertain Significance.